The following is an entry in ClinVar:

NM_000069.3(CACNA1S):c.4235A>T (p.Glu1412Val)

Gene: CACNA1S (calcium voltage-gated channel subunit alpha1 S; minus strand). Cytogenetic location: 1q32.1.
Variant type: single nucleotide variant.
Coding change: c.4235A>T on transcript NM_000069.3 (MANE Select); coding-DNA position 4235, A replaced by T.
Protein change: p.Glu1412Val; replaces glutamic acid 1412 with valine.
Molecular consequence: missense variant.
Genome position (GRCh38, 1-based): chr1:201,050,395, T>A on the plus strand (A>T on the coding strand, the complement: CACNA1S is on the minus strand). VCF-style: chr1-201050395-T-A. GRCh37 (hg19) VCF-style: chr1-201019523-T-A.
Other names: short protein forms E1412V.
Identifiers: ClinVar variation 4685345 (VCV004685345.1).

ClinVar aggregate classification (germline): Uncertain significance (1 of 4 stars; one submission).

gnomAD v4.1: 1 of 1,614,010 alleles (0.000062%); highest among the groups gnomAD compares: African/African-American, 0.0013%; no homozygotes.

Submission:

GeneDx
Classification: Uncertain significance. Last evaluated: 2025-07-07. Review status: criteria provided, single submitter. Criteria: GeneDx Variant Classification Process June 2021. Collection method: clinical testing. Allele origin: germline. Affected: yes.
Comment: Not observed at significant frequency in large population cohorts (gnomAD); In silico analysis supports that this missense variant has a deleterious effect on protein structure/function; Has not been previously published as pathogenic or benign to our knowledge